The following is an entry in ClinVar:

ClinVar aggregate classification (germline): Uncertain significance. Review status: criteria provided, multiple submitters, no conflicts (2 of 4 stars). 2 submissions from 2 submitters: Uncertain significance (2). Last evaluated 2023-11-29.

Conditions:
Aplastic anemia. Identifiers: Orphanet 182040, Orphanet 88, MedGen C0002874, MONDO:0015909, OMIM 609135, HP:0001915.
Microcephaly, normal intelligence and immunodeficiency (NBS). Also called: BERLIN BREAKAGE SYNDROME; Immunodeficiency, microcephaly with normal intelligence; Nijmegen breakage syndrome; Microcephaly with normal intelligence immunodeficiency and lymphoreticular malignancies; Nonsyndromal microcephaly autosomal recessive with normal intelligence; Seemanova syndrome 2. Identifiers: Orphanet 647, MedGen C0398791, MONDO:0009623, OMIM 251260.

Submissions (2):

Baylor Genetics
Classification: Uncertain significance for Aplastic anemia. Last evaluated: 2023-11-29. Review status: criteria provided, single submitter. Criteria: ACMG Guidelines, 2015. Collection method: clinical testing. Allele origin: unknown.

Labcorp Genetics (formerly Invitae), Labcorp
Classification: Uncertain significance for Microcephaly, normal intelligence and immunodeficiency. Last evaluated: 2023-04-24. Review status: criteria provided, single submitter. Criteria: Invitae Variant Classification Sherloc (09022015). Collection method: clinical testing. Allele origin: germline.
Comment: In summary, the available evidence is currently insufficient to determine the role of this variant in disease. Therefore, it has been classified as a Variant of Uncertain Significance. Experimental studies and prediction algorithms are not available or were not evaluated, and the functional significance of this variant is currently unknown. This variant has not been reported in the literature in individuals affected with NBN-related conditions. This variant is not present in population databases (gnomAD no frequency). This variant, c.775_777del, results in the deletion of 1 amino acid(s) of the NBN protein (p.Glu259del), but otherwise preserves the integrity of the reading frame.

NM_002485.5(NBN):c.769GAA[2] (p.Glu259del)

Gene: NBN (nibrin; minus strand). Cytogenetic location: 8q21.3.
Variant type: Microsatellite.
Coding change: c.769GAA[2] on transcript NM_002485.5 (MANE Select); two copies in a row of the 3-base unit GAA starting at c.769; the reference has three copies in a row; one copy, 3 bases deleted; also written c.775_777del.
Protein change: p.Glu259del; deletes glutamic acid 259.
Molecular consequence: inframe deletion.
Genome position (GRCh38, 1-based): chr8:89,970,483-89,970,485, TTC deleted on the plus strand (GAA on the coding strand, the reverse complement: NBN is on the minus strand); deleting any 3 consecutive bases within chr8:89,970,483-89,970,491 gives the same sequence; the position shown is the placement nearest the transcript's 3' end. VCF-style (leftmost placement, unchanged base first): chr8-89970482-GTTC-G. GRCh37 (hg19) VCF-style: chr8-90982710-GTTC-G.
Other names: c.775_777del (NM_002485.5); c.523GAA[2], p.Glu177del (NM_001024688.3); short protein forms E177del, E259del.
Identifiers: ClinVar variation 1463513 (VCV001463513.9), dbSNP rs2129830023, ClinGen allele CA2580617190.